The following is an entry in ClinVar:

NM_001042492.3(NF1):c.2851-14T>A

Gene: NF1 (neurofibromin 1; plus strand). Cytogenetic location: 17q11.2.
Variant type: single nucleotide variant.
Coding change: c.2851-14T>A on transcript NM_001042492.3 (MANE Select); 14 bases into the intron before coding-DNA position 2851, T replaced by A.
Molecular consequence: intron variant.
Genome position (GRCh38, 1-based): chr17:31,229,821, T>A. VCF-style: chr17-31229821-T-A. GRCh37 (hg19) VCF-style: chr17-29556839-T-A.
Other names: c.2851-14T>A (NM_000267.4).
Identifiers: ClinVar variation 3722392 (VCV003722392.4).
Genomic context (GRCh38, chr17:31,229,821, plus strand): 5'-CAGTTTCATCTCTCTAGGGGGTCTGTCTTCTGGGCATTGATGGCAAATCATTAATGTATT[T>A]GTTCTTTCTTTAGGTTTTATTGACTGATACCAATACTCAATTTGTAGAACAAACCATAGC-3'

ClinVar aggregate classification (germline): Likely pathogenic. Review status: criteria provided, multiple submitters, no conflicts (2 of 4 stars). 2 submissions from 2 submitters: Likely pathogenic (2). Last evaluated 2025-10-01.

Conditions:
Hereditary cancer-predisposing syndrome. Also called: Neoplastic Syndromes, Hereditary; Hereditary Cancer Syndrome; Hereditary neoplastic syndrome; Tumor predisposition. Identifiers: Orphanet 140162, MedGen C0027672, MeSH D009386, MONDO:0015356.
Cardiovascular phenotype. Identifiers: MedGen CN230736.
Neurofibromatosis, type 1 (NF1). Also called: VON RECKLINGHAUSEN DISEASE; NEUROFIBROMATOSIS, TYPE I, SOMATIC; Peripheral type neurofibromatosis; Neurofibromatosis, type I. Identifiers: Orphanet 636, MedGen C0027831, MONDO:0018975, OMIM 162200. Disease mechanism: loss of function.

Submissions (2):

Labcorp Genetics (formerly Invitae), Labcorp
Classification: Likely pathogenic for Neurofibromatosis, type 1. Last evaluated: 2025-10-01. Review status: criteria provided, single submitter. Criteria: Invitae Variant Classification Sherloc (09022015). Collection method: clinical testing. Allele origin: germline.
Comment: This sequence change falls in intron 21 of the NF1 gene. It does not directly change the encoded amino acid sequence of the NF1 protein. This variant is not present in population databases (gnomAD no frequency). This variant has been observed in individual(s) with neurofibromatosis type 1 (Internal data). It has also been observed to segregate with disease in related individuals. ClinVar contains an entry for this variant (Variation ID: 3722392). Algorithms developed to predict the effect of sequence changes on RNA splicing suggest that this variant may disrupt the consensus splice site. In summary, the currently available evidence indicates that the variant is pathogenic, but additional data are needed to prove that conclusively. Therefore, this variant has been classified as Likely Pathogenic.

Ambry Genetics
Classification: Likely pathogenic for Cardiovascular phenotype; Hereditary cancer-predisposing syndrome. Last evaluated: 2025-06-25. Review status: criteria provided, single submitter. Criteria: Ambry Variant Classification Scheme 2023. Collection method: clinical testing. Allele origin: germline.
Comment: The c.2851-14T>A intronic variant results from a T to A substitution 14 nucleotides upstream from coding exon 22 in the NF1 gene. This variant was reported in individual(s) with features consistent with neurofibromatosis type 1 (Ambry internal data). This nucleotide position is well conserved in available vertebrate species. In silico splice site analysis predicts that this alteration may weaken the native splice acceptor site and may result in the creation or strengthening of a novel splice acceptor site. RNA studies have demonstrated that this alteration results in abnormal splicing in the set of samples tested (Ambry internal data). This variant is considered to be rare based on population cohorts in the Genome Aggregation Database (gnomAD). Based on the majority of available evidence to date, this variant is likely to be pathogenic.